The following is an entry in ClinVar:

NM_000051.4(ATM):c.1236-3_1236-2del

Gene: ATM (ATM serine/threonine kinase; plus strand). Cytogenetic location: 11q22.3.
Variant type: Deletion.
Coding change: c.1236-3_1236-2del on transcript NM_000051.4 (MANE Select); 3 bases into the intron before coding-DNA position 1236 through the canonical splice acceptor site of the intron before coding-DNA position 1236, 2 bases deleted (TA; older notation c.1236-3_1236-2delTA).
Molecular consequence: splice acceptor variant.
Genome position (GRCh38, 1-based): chr11:108,250,698-108,250,699, TA deleted. VCF-style (leftmost placement, unchanged base first): chr11-108250697-TTA-T. GRCh37 (hg19) VCF-style: chr11-108121424-TTA-T.
Other names: c.1236-3_1236-2del (NM_001351834.2).
Identifiers: ClinVar variation 142593 (VCV000142593.3), dbSNP rs587782572, ClinGen allele CA168774.

ClinVar aggregate classification (germline): Pathogenic/Likely pathogenic. Review status: criteria provided, multiple submitters, no conflicts (2 of 4 stars). 2 submissions from 2 submitters: Pathogenic (1); Likely pathogenic (1). Last evaluated 2024-01-12.

Conditions:
Hereditary cancer-predisposing syndrome. Also called: Hereditary Cancer Syndrome; Neoplastic Syndromes, Hereditary; Hereditary neoplastic syndrome; Tumor predisposition. Identifiers: Orphanet 140162, MedGen C0027672, MeSH D009386, MONDO:0015356.
Familial cancer of breast. Also called: BREAST CANCER, FAMILIAL; Hereditary breast cancer; hereditary breast carcinoma. Identifiers: Orphanet 227535, MedGen C0346153, MONDO:0016419, OMIM 114480. Disease mechanism: loss of function.

Submissions (2):

Myriad Genetics, Inc.
Classification: Likely pathogenic for Familial cancer of breast. Last evaluated: 2024-01-12. Review status: criteria provided, single submitter. Criteria: Myriad Autosomal Dominant, Autosomal Recessive and X-Linked Classification Criteria (2023). Collection method: clinical testing. Allele origin: unknown.
Comment: This variant is considered likely pathogenic. This variant occurs within a consensus splice junction and is predicted to result in abnormal mRNA splicing of either an out-of-frame exon or an in-frame exon necessary for protein stability and/or normal function. Functional studies indicate this variant impacts protein function [PMID: 14695534].

Ambry Genetics
Classification: Pathogenic for Hereditary cancer-predisposing syndrome. Last evaluated: 2013-05-08. Review status: criteria provided, single submitter. Criteria: Ambry Autosomal Dominant and X-Linked criteria (10/2015). Collection method: clinical testing. Allele origin: germline. Observed: 1 variant allele.
Comment: Other acmg-defined mutation (i.e. initiation codon or gross deletion);Alterations at the canonical donor/acceptor sites (+/- 1, 2) without other strong (b-level) evidence supporting pathogenicity

Literature cited by the submitters: PubMed 14695534 (cited by Myriad Genetics, Inc.).